The following is an entry in ClinVar:

ClinVar aggregate classification (germline): Uncertain significance (1 of 4 stars; one submission).

Conditions:
PLXNA4-related disorder. Also called: PLXNA4-related condition.

gnomAD v4.1: 3 of 1,613,808 alleles (0.00019%); highest among the groups gnomAD compares: Admixed American, 0.0033%; no homozygotes.

Submission:

PreventionGenetics, part of Exact Sciences
Classification: Uncertain significance for PLXNA4-related condition. Last evaluated: 2025-05-05. Review status: criteria provided, single submitter. Criteria: ACMG Guidelines, 2015. Collection method: clinical testing. Allele origin: germline.
Comment: The PLXNA4 c.2902G>A variant is predicted to result in the amino acid substitution p.Gly968Arg. To our knowledge, this variant has not been reported in the literature. This variant is reported in 0.0029% of alleles in individuals of Latino descent in gnomAD. At this time, the clinical significance of this variant is uncertain due to the absence of conclusive functional and genetic evidence.

NM_020911.2(PLXNA4):c.2902G>A (p.Gly968Arg)

Gene: PLXNA4 (plexin A4; minus strand). Cytogenetic location: 7q32.3.
Variant type: single nucleotide variant.
Coding change: c.2902G>A on transcript NM_020911.2 (MANE Select); coding-DNA position 2902, G replaced by A.
Protein change: p.Gly968Arg; replaces glycine 968 with arginine.
Molecular consequence: missense variant.
Genome position (GRCh38, 1-based): chr7:132,187,562, C>T on the plus strand (G>A on the coding strand, the complement: PLXNA4 is on the minus strand). VCF-style: chr7-132187562-C-T. GRCh37 (hg19) VCF-style: chr7-131872321-C-T.
Other names: c.2902G>A, p.Gly968Arg (NM_001393897.1); short protein forms G968R.
Identifiers: ClinVar variation 4997003 (VCV004997003.1).
Genomic context (GRCh38, chr7:132,187,562, plus strand): 5'-TCACCACCACGTTGCTTCCGGCATTCAGGTTGGTGCCTGTGATGGTCACTTGGGTCCCTC[C>T]GGACATGGGCCCCCGGCTGGGCTTCAGATCTGAGAGAGTCAGTGTCTGTGTAGAAAGGAT-3'
Protein context (NP_065962.1, residues 958-978): DLKPSRGPMS[Gly968Arg]GTQVTITGTN